The following is an entry in ClinVar:

ClinVar aggregate classification (germline): Likely benign (1 of 4 stars; one submission).

gnomAD v4.1: 945 of 1,613,312 alleles (0.059%); highest among the groups gnomAD compares: East Asian, 1.1%; 9 homozygotes.

Submission:

CeGaT Center for Human Genetics Tuebingen
Classification: Likely benign. Last evaluated: 2026-09-01. Review status: criteria provided, single submitter. Criteria: CeGaT Center For Human Genetics Tuebingen Variant Classification Criteria Version 2. Collection method: clinical testing. Allele origin: germline. Affected: yes. Observed: 1 variant allele.
Comment: TEX15: BP4, BS1

NM_001350162.2(TEX15):c.6042G>C (p.Gln2014His)

Gene: TEX15 (testis expressed 15, meiosis and synapsis associated; minus strand). Cytogenetic location: 8p12.
Variant type: single nucleotide variant.
Coding change: c.6042G>C on transcript NM_001350162.2 (MANE Select); coding-DNA position 6042, G replaced by C.
Protein change: p.Gln2014His; replaces glutamine 2014 with histidine.
Molecular consequence: missense variant.
Genome position (GRCh38, 1-based): chr8:30,844,125, C>G on the plus strand (G>C on the coding strand, the complement: TEX15 is on the minus strand). VCF-style: chr8-30844125-C-G. GRCh37 (hg19) VCF-style: chr8-30701641-C-G.
Other names: short protein forms Q2014H.
Identifiers: ClinVar variation 5040982 (VCV005040982.1).